The following is an entry in ClinVar:

ClinVar aggregate classification (germline): Uncertain significance (1 of 4 stars; one submission).

Submission:

Labcorp Genetics (formerly Invitae), Labcorp
Classification: Uncertain significance. Last evaluated: 2024-02-01. Review status: criteria provided, single submitter. Criteria: Invitae Variant Classification Sherloc (09022015). Collection method: clinical testing. Allele origin: germline.
Comment: This sequence change replaces serine, which is neutral and polar, with phenylalanine, which is neutral and non-polar, at codon 208 of the POLE protein (p.Ser208Phe). This variant is not present in population databases (gnomAD no frequency). This variant has not been reported in the literature in individuals affected with POLE-related conditions. Advanced modeling of protein sequence and biophysical properties (such as structural, functional, and spatial information, amino acid conservation, physicochemical variation, residue mobility, and thermodynamic stability) performed at Invitae indicates that this missense variant is not expected to disrupt POLE protein function with a negative predictive value of 80%. In summary, the available evidence is currently insufficient to determine the role of this variant in disease. Therefore, it has been classified as a Variant of Uncertain Significance.

NM_006231.4(POLE):c.623C>T (p.Ser208Phe)

Gene: POLE (DNA polymerase epsilon, catalytic subunit; minus strand). Cytogenetic location: 12q24.33.
Variant type: single nucleotide variant.
Coding change: c.623C>T on transcript NM_006231.4 (MANE Select); coding-DNA position 623, C replaced by T.
Protein change: p.Ser208Phe; replaces serine 208 with phenylalanine.
Molecular consequence: missense variant.
Genome position (GRCh38, 1-based): chr12:132,677,675, G>A on the plus strand (C>T on the coding strand, the complement: POLE is on the minus strand). VCF-style: chr12-132677675-G-A. GRCh37 (hg19) VCF-style: chr12-133254261-G-A.
Other names: short protein forms S208F.
Identifiers: ClinVar variation 3668181 (VCV003668181.2).
Genomic context (GRCh38, chr12:132,677,675, plus strand): 5'-TAGGGAACATCGTACTCGCGCATGTCCACAATGTTGTCCAACTGGTCAGCTATCTTCTTA[G>A]AGGTTTCCTCTTCATCAGTAATGACACCGCCCCTCTGCAGAACACTAGGAATTAACAAGA-3'
Protein context (NP_006222.2, residues 198-218): GGVITDEEET[Ser208Phe]KKIADQLDNI